The following is an entry in ClinVar:

NM_003401.5(XRCC4):c.401T>C (p.Ile134Thr)

Gene: XRCC4 (X-ray repair cross complementing 4; plus strand). Cytogenetic location: 5q14.2.
Variant type: single nucleotide variant.
Coding change: c.401T>C on transcript NM_003401.5 (MANE Select); coding-DNA position 401, T replaced by C.
Protein change: p.Ile134Thr; replaces isoleucine 134 with threonine.
Molecular consequence: missense variant.
Genome position (GRCh38, 1-based): chr5:83,195,855, T>C. VCF-style: chr5-83195855-T-C. GRCh37 (hg19) VCF-style: chr5-82491674-T-C.
Other names: c.401T>C, p.Ile134Thr (NM_001318012.3, NM_001318013.2, NM_022406.5 and 1 more transcripts); short protein forms I134T.
Identifiers: ClinVar variation 1300523 (VCV001300523.11), dbSNP rs28360135, ClinGen allele CA3332154.

ClinVar aggregate classification (germline): Benign/Likely benign. Review status: criteria provided, multiple submitters, no conflicts (2 of 4 stars). 4 submissions from 4 submitters: Benign (1); Likely benign (3). Last evaluated 2026-02-01.

Allele frequency attached by ClinVar (database versions not stated): 1000 Genomes Project 30x 0.01421; 1000 Genomes Project 0.01438; ExAC 0.02505; gnomAD exomes 0.02553 and 0.03204; gnomAD 0.02574 and 0.02660; TOPMed 0.02668; ESP Exome Variant Server 0.03006.
gnomAD v4.1: 50,676 of 1,611,916 alleles (3.1%); highest among the groups gnomAD compares: Non-Finnish European, 3.7%; 950 homozygotes.

Submissions (4):

Labcorp Genetics (formerly Invitae), Labcorp
Classification: Benign. Last evaluated: 2026-02-01. Review status: criteria provided, single submitter. Criteria: Invitae Variant Classification Sherloc (09022015). Collection method: clinical testing. Allele origin: germline.

Blueprint Genetics
Classification: Likely benign. Last evaluated: 2024-11-26. Review status: criteria provided, single submitter. Criteria: ACMG Guidelines, 2015. Collection method: clinical testing. Allele origin: germline.

GeneDx
Classification: Likely benign. Last evaluated: 2021-03-30. Review status: criteria provided, single submitter. Criteria: GeneDx Variant Classification Process June 2021. Collection method: clinical testing. Allele origin: germline. Affected: yes.
Comment: This variant is associated with the following publications: (PMID: 22466227, 16741161, 26764160)

Breakthrough Genomics
Classification: Likely benign. Review status: criteria provided, single submitter. Criteria: ACMG Guidelines, 2015. Collection method: not provided. Allele origin: germline. Inheritance: Autosomal recessive inheritance. Affected: yes.